The following is an entry in ClinVar:

NM_004963.4(GUCY2C):c.1282+1G>T

Genes: GUCY2C (guanylate cyclase 2C; minus strand), GUCY2C-AS1 (GUCY2C antisense RNA 1; plus strand). Cytogenetic location: 12p12.3.
Variant type: single nucleotide variant.
Coding change: c.1282+1G>T on transcript NM_004963.4 (MANE Select); the canonical splice donor site of the intron after coding-DNA position 1282, G replaced by T.
Molecular consequence: splice donor variant.
Genome position (GRCh38, 1-based): chr12:14,669,721, C>A on the plus strand (G>T on the coding strand, the complement: GUCY2C is on the minus strand). VCF-style: chr12-14669721-C-A. GRCh37 (hg19) VCF-style: chr12-14822655-C-A.
Identifiers: ClinVar variation 1497717 (VCV001497717.6), dbSNP rs753207518, ClinGen allele CA383997188.

ClinVar aggregate classification (germline): Uncertain significance (1 of 4 stars; one submission).

gnomAD v4.1: 3 of 1,468,956 alleles (0.0002%); highest among the groups gnomAD compares: Admixed American, 0.0035%; no homozygotes.

Submission:

Labcorp Genetics (formerly Invitae), Labcorp
Classification: Uncertain significance. Last evaluated: 2024-04-25. Review status: criteria provided, single submitter. Criteria: Invitae Variant Classification Sherloc (09022015). Collection method: clinical testing. Allele origin: germline.
Comment: This sequence change affects a donor splice site in intron 10 of the GUCY2C gene. It is expected to disrupt RNA splicing. Variants that disrupt the donor or acceptor splice site typically lead to a loss of protein function (PMID: 16199547), however the current clinical and genetic evidence is not sufficient to establish whether loss-of-function variants in GUCY2C cause disease. This variant is not present in population databases (gnomAD no frequency). This variant has not been reported in the literature in individuals affected with GUCY2C-related conditions. ClinVar contains an entry for this variant (Variation ID: 1497717). Algorithms developed to predict the effect of sequence changes on RNA splicing suggest that this variant may disrupt the consensus splice site. In summary, the available evidence is currently insufficient to determine the role of this variant in disease. Therefore, it has been classified as a Variant of Uncertain Significance.

Literature cited by the submitters: PubMed 16199547.